The following is an entry in ClinVar:

NM_001540.5(HSPB1):c.251G>A (p.Gly84Glu)

Gene: HSPB1 (heat shock protein family B (small) member 1; plus strand). Cytogenetic location: 7q11.23.
Variant type: single nucleotide variant.
Coding change: c.251G>A on transcript NM_001540.5 (MANE Select); coding-DNA position 251, G replaced by A.
Protein change: p.Gly84Glu; replaces glycine 84 with glutamic acid.
Molecular consequence: missense variant.
Genome position (GRCh38, 1-based): chr7:76,302,963, G>A. VCF-style: chr7-76302963-G-A. GRCh37 (hg19) VCF-style: chr7-75932280-G-A.
Other names: short protein forms G84E.
Identifiers: ClinVar variation 835182 (VCV000835182.9), dbSNP rs1803027735, ClinGen allele CA367763202.

ClinVar aggregate classification (germline): Uncertain significance (1 of 4 stars; one submission).

Conditions:
Charcot-Marie-Tooth disease axonal type 2F (CMT2F). Also called: CHARCOT-MARIE-TOOTH DISEASE, NEURONAL, TYPE 2F; Charcot-Marie-Tooth Neuropathy Type 2F. Identifiers: Orphanet 99940, MedGen C1847823, MONDO:0011687, OMIM 606595.

Submission:

Labcorp Genetics (formerly Invitae), Labcorp
Classification: Uncertain significance for Charcot-Marie-Tooth disease axonal type 2F. Last evaluated: 2019-01-25. Review status: criteria provided, single submitter. Criteria: Invitae Variant Classification Sherloc (09022015). Collection method: clinical testing. Allele origin: germline.
Comment: In summary, the available evidence is currently insufficient to determine the role of this variant in disease. Therefore, it has been classified as a Variant of Uncertain Significance. This variant disrupts the p.Gly84 amino acid residue in HSPB1. Other variant(s) that disrupt this residue have been observed in individuals with HSPB1-related conditions (PMID: 18344398, 18832141, 21892769, 23948568, 25429913), suggesting that it is a clinically significant residue. As a result, variants that disrupt this residue are likely to be causative of disease. Algorithms developed to predict the effect of missense changes on protein structure and function (SIFT, PolyPhen-2, Align-GVGD) all suggest that this variant is likely to be disruptive, but these predictions have not been confirmed by published functional studies and their clinical significance is uncertain. This variant has not been reported in the literature in individuals with HSPB1-related conditions. The frequency data for this variant in the population databases is considered unreliable, as metrics indicate insufficient coverage at this position in the ExAC database. This sequence change replaces glycine with glutamic acid at codon 84 of the HSPB1 protein (p.Gly84Glu). The glycine residue is highly conserved and there is a moderate physicochemical difference between glycine and glutamic acid.

Literature cited by the submitters: PubMed 18344398; PubMed 18832141; PubMed 21892769; PubMed 23948568; PubMed 25429913.